The following is an entry in ClinVar:

NM_002206.3(ITGA7):c.1071G>A (p.Val357=)

Gene: ITGA7 (integrin subunit alpha 7; minus strand). Cytogenetic location: 12q13.2.
Variant type: single nucleotide variant.
Coding change: c.1071G>A on transcript NM_002206.3 (MANE Select); coding-DNA position 1071, G replaced by A.
Protein change: p.Val357=; no amino-acid change (valine 357 retained).
Molecular consequence: synonymous variant. On other transcripts: 5 prime UTR variant (1), intron variant (2).
Genome position (GRCh38, 1-based): chr12:55,698,504, C>T on the plus strand (G>A on the coding strand, the complement: ITGA7 is on the minus strand). VCF-style: chr12-55698504-C-T. GRCh37 (hg19) VCF-style: chr12-56092288-C-T.
Other names: c.1083G>A, p.Val361= (NM_001144996.2, NM_001414029.1); c.792G>A, p.Val264= (NM_001144997.2); c.744G>A, p.Val248= (NM_001367993.1); c.-222G>A (NM_001367994.1); c.1071G>A, p.Val357= (NM_001374465.1, NM_001414034.1); c.1203G>A, p.Val401= (NM_001410977.1); c.951G>A, p.Val317= (NM_001414032.1); c.888G>A, p.Val296= (NM_001414033.1); and 3 more.
Identifiers: ClinVar variation 538010 (VCV000538010.13), dbSNP rs776709976, ClinGen allele CA6616073.

ClinVar aggregate classification (germline): Likely benign. Review status: criteria provided, multiple submitters, no conflicts (2 of 4 stars). 2 submissions from 2 submitters: Likely benign (2). Last evaluated 2026-07-27.

Conditions:
Congenital muscular dystrophy due to integrin alpha-7 deficiency. Also called: Congenital muscular dystrophy with integrin alpha-7 deficiency; Muscular dystrophy, congenital, due to ITGA7 deficiency; MYOPATHY, CONGENITAL, DUE TO INTEGRIN ALPHA-7 DEFICIENCY. Identifiers: Orphanet 34520, MedGen C2750786, MONDO:0013177, OMIM 613204.
ITGA7-related disorder. Also called: ITGA7-related condition.

Allele frequency attached by ClinVar (database versions not stated): ExAC 0.00002; gnomAD exomes 0.00002; TOPMed 0.00002.
gnomAD v4.1: 26 of 1,614,152 alleles (0.0016%); highest among the groups gnomAD compares: Non-Finnish European, 0.002%; no homozygotes.

Submissions (2):

PreventionGenetics, part of Exact Sciences
Classification: Likely benign for ITGA7-related condition. Last evaluated: 2026-07-27. Review status: criteria provided, single submitter. Criteria: ACMG Guidelines, 2015. Collection method: clinical testing. Allele origin: germline.
Comment: This variant is classified as likely benign based on ACMG/AMP sequence variant interpretation guidelines (Richards et al. 2015 PMID: 25741868, with internal and published modifications).

Labcorp Genetics (formerly Invitae), Labcorp
Classification: Likely benign for Congenital muscular dystrophy due to integrin alpha-7 deficiency. Last evaluated: 2025-06-09. Review status: criteria provided, single submitter. Criteria: Invitae Variant Classification Sherloc (09022015). Collection method: clinical testing. Allele origin: germline.